The following is an entry in ClinVar:

NM_000059.4(BRCA2):c.9232G>A (p.Val3078Ile)

Gene: BRCA2 (BRCA2 DNA repair associated; plus strand). Cytogenetic location: 13q13.1.
Variant type: single nucleotide variant.
Coding change: c.9232G>A on transcript NM_000059.4 (MANE Select); coding-DNA position 9232, G replaced by A.
Protein change: p.Val3078Ile; replaces valine 3078 with isoleucine.
Molecular consequence: missense variant. On other transcripts: non-coding transcript variant (1).
Genome position (GRCh38, 1-based): chr13:32,380,121, G>A. VCF-style: chr13-32380121-G-A. GRCh37 (hg19) VCF-style: chr13-32954258-G-A.
Other names: c.9136G>A, p.Val3046Ile (NM_001406719.1); c.9181G>A, p.Val3061Ile (NM_001406720.1); c.4300G>A, p.Val1434Ile (NM_001406721.1); c.2815G>A, p.Val939Ile (NM_001406722.1); c.9232G>A, p.Val3078Ile (NM_001432077.1); short protein forms V1434I, V3046I, V3061I, V939I, V3078I.
Identifiers: ClinVar variation 3636559 (VCV003636559.2).

ClinVar aggregate classification (germline): Uncertain significance (1 of 4 stars; one submission).

Conditions:
Hereditary breast ovarian cancer syndrome. Also called: Hereditary breast and ovarian cancer syndrome; Hereditary breast and ovarian cancer syndrome (HBOC); BRCA1- and BRCA2-Associated Hereditary Breast and Ovarian Cancer; Hereditary breast and ovarian cancer; Breast and ovarian cancer; Hereditary breast and/or ovarian cancer syndrome. Identifiers: Orphanet 145, MedGen C0677776, MeSH D061325, MONDO:0003582. Disease mechanism: loss of function.

Submission:

Labcorp Genetics (formerly Invitae), Labcorp
Classification: Uncertain significance for Hereditary breast ovarian cancer syndrome. Last evaluated: 2024-04-05. Review status: criteria provided, single submitter. Criteria: Invitae Variant Classification Sherloc (09022015). Collection method: clinical testing. Allele origin: germline.
Comment: This sequence change replaces valine, which is neutral and non-polar, with isoleucine, which is neutral and non-polar, at codon 3078 of the BRCA2 protein (p.Val3078Ile). This variant is not present in population databases (gnomAD no frequency). This variant has not been reported in the literature in individuals affected with BRCA2-related conditions. Advanced modeling of protein sequence and biophysical properties (such as structural, functional, and spatial information, amino acid conservation, physicochemical variation, residue mobility, and thermodynamic stability) performed at Invitae indicates that this missense variant is not expected to disrupt BRCA2 protein function with a negative predictive value of 95%. In summary, the available evidence is currently insufficient to determine the role of this variant in disease. Therefore, it has been classified as a Variant of Uncertain Significance.